The following is an entry in ClinVar:

NM_005219.5(DIAPH1):c.1163+6C>A

Gene: DIAPH1 (diaphanous related formin 1; minus strand). Cytogenetic location: 5q31.3.
Variant type: single nucleotide variant.
Coding change: c.1163+6C>A on transcript NM_005219.5 (MANE Select); 6 bases into the intron after coding-DNA position 1163, C replaced by A.
Molecular consequence: intron variant.
Genome position (GRCh38, 1-based): chr5:141,578,219, G>T on the plus strand (C>A on the coding strand, the complement: DIAPH1 is on the minus strand). VCF-style: chr5-141578219-G-T. GRCh37 (hg19) VCF-style: chr5-140957786-G-T.
Other names: c.1136+6C>A (NM_001079812.3); c.1163+6C>A (NM_001314007.2).
Identifiers: ClinVar variation 3755401 (VCV003755401.2).

ClinVar aggregate classification (germline): Uncertain significance (1 of 4 stars; one submission).

Conditions:
Autosomal dominant nonsyndromic hearing loss 1. Also called: KONIGSMARK SYNDROME; DEAFNESS, AUTOSOMAL DOMINANT 1, WITH OR WITHOUT THROMBOCYTOPENIA. Identifiers: Orphanet 90635, MedGen C1852282, MONDO:0007424, OMIM 124900.
Progressive microcephaly-seizures-cortical blindness-developmental delay syndrome. Also called: Seizures, cortical blindness, and microcephaly syndrome. Identifiers: Orphanet 477814, MedGen C5567650, MONDO:0014714, OMIM 616632.

Submission:

Labcorp Genetics (formerly Invitae), Labcorp
Classification: Uncertain significance for Progressive microcephaly-seizures-cortical blindness-developmental delay syndrome; Autosomal dominant nonsyndromic hearing loss 1. Last evaluated: 2024-03-19. Review status: criteria provided, single submitter. Criteria: Invitae Variant Classification Sherloc (09022015). Collection method: clinical testing. Allele origin: germline.
Comment: This sequence change falls in intron 11 of the DIAPH1 gene. It does not directly change the encoded amino acid sequence of the DIAPH1 protein. It affects a nucleotide within the consensus splice site. This variant is not present in population databases (gnomAD no frequency). This variant has not been reported in the literature in individuals affected with DIAPH1-related conditions. Variants that disrupt the consensus splice site are a relatively common cause of aberrant splicing (PMID: 17576681, 9536098). Algorithms developed to predict the effect of sequence changes on RNA splicing suggest that this variant may disrupt the consensus splice site. In summary, the available evidence is currently insufficient to determine the role of this variant in disease. Therefore, it has been classified as a Variant of Uncertain Significance.

Literature cited by the submitters: PubMed 17576681; PubMed 9536098.